The following is an entry in ClinVar:

ClinVar aggregate classification (germline): Benign. Review status: criteria provided, multiple submitters, no conflicts (2 of 4 stars). 3 submissions from 3 submitters: Benign (3). Last evaluated 2024-07-15.

Allele frequency attached by ClinVar (database versions not stated): 1000 Genomes Project 30x 0.56839; ESP Exome Variant Server 0.57051; TOPMed 0.57231; 1000 Genomes Project 0.57508; ExAC 0.63520; gnomAD exomes 0.64650.
gnomAD v4.1: 1,008,239 of 1,572,878 alleles (64%); highest among the groups gnomAD compares: East Asian, 77%; 328,466 homozygotes.

Submissions (3):

Unidad de Genómica Garrahan, Hospital de Pediatría Garrahan
Classification: Benign. Last evaluated: 2024-07-15. Review status: criteria provided, single submitter. Criteria: ACMG Guidelines, 2015. Collection method: clinical testing. Allele origin: germline. Affected: no. Observed: 80 variant alleles.
Comment: This variant is classified as Benign based on local population frequency. This variant was detected in 86% of patients studied in a panel designed for Epileptic and Developmental Encephalopathy and Progressive Myoclonus Epilepsy. Number of patients: 80. Only high quality variants are reported.

GeneDx
Classification: Benign. Last evaluated: 2021-03-08. Review status: criteria provided, single submitter. Criteria: GeneDx Variant Classification Process June 2021. Collection method: clinical testing. Allele origin: germline. Affected: yes.

Breakthrough Genomics
Classification: Benign. Review status: criteria provided, single submitter. Criteria: ACMG Guidelines, 2015. Collection method: not provided. Allele origin: germline. Inheritance: Autosomal recessive inheritance. Affected: yes.

NM_001367561.1(DOCK7):c.3611+44T>G

Gene: DOCK7 (dedicator of cytokinesis 7; minus strand). Cytogenetic location: 1p31.3.
Variant type: single nucleotide variant.
Coding change: c.3611+44T>G on transcript NM_001367561.1 (MANE Select); 44 bases into the intron after coding-DNA position 3611, T replaced by G.
Molecular consequence: intron variant.
Genome position (GRCh38, 1-based): chr1:62,535,449, A>C on the plus strand (T>G on the coding strand, the complement: DOCK7 is on the minus strand). VCF-style: chr1-62535449-A-C. GRCh37 (hg19) VCF-style: chr1-63001120-A-C.
Other names: c.3518+44T>G (NM_001272001.2, NM_001272000.2, NM_033407.4); c.3611+44T>G (NM_001271999.2, NM_001330614.2).
Identifiers: ClinVar variation 1243061 (VCV001243061.5), dbSNP rs1168018, ClinGen allele CA885941.
Genomic context (GRCh38, chr1:62,535,449, plus strand): 5'-GTGAAAGATTATTCTCCTAATCCTCAGGAAATGTGAGTGGAATACTTCTGTCCACTGTTC[A>C]AAATCAAACTCATATTCTACAAGGTAAAAACTAGTGTACTCACCCTTCAGCATCAGGGTC-3'